The following is an entry in ClinVar:

NM_020937.4(FANCM):c.1091G>A (p.Cys364Tyr)

Gene: FANCM (FA complementation group M; plus strand). Cytogenetic location: 14q21.2.
Variant type: single nucleotide variant.
Coding change: c.1091G>A on transcript NM_020937.4 (MANE Select); coding-DNA position 1091, G replaced by A.
Protein change: p.Cys364Tyr; replaces cysteine 364 with tyrosine.
Molecular consequence: missense variant.
Genome position (GRCh38, 1-based): chr14:45,153,960, G>A. VCF-style: chr14-45153960-G-A. GRCh37 (hg19) VCF-style: chr14-45623163-G-A.
Other names: c.1013G>A, p.Cys338Tyr (NM_001308133.2); c.1091G>A, p.Cys364Tyr (NM_001308134.2); short protein forms C364Y, C338Y.
Identifiers: ClinVar variation 4619483 (VCV004619483.1).
Genomic context (GRCh38, chr14:45,153,960, plus strand): 5'-GACATATGCTGTTTTTCTAGGGAATACAACAAGGCATAATCGAGGGAGAGTTTGCTATTT[G>A]TATTAGTTTATATCATGGTTATGAATTATTGCAGCAAATGGGAATGAGATCATTATATTT-3'
Protein context (NP_065988.1, residues 354-374): QGIIEGEFAI[Cys364Tyr]ISLYHGYELL

ClinVar aggregate classification (germline): Uncertain significance (1 of 4 stars; one submission).

Conditions:
Inborn genetic diseases. Identifiers: MedGen C0950123, MeSH D030342.

Submission:

Ambry Genetics
Classification: Uncertain significance for Inborn genetic diseases. Last evaluated: 2025-10-14. Review status: criteria provided, single submitter. Criteria: Ambry Variant Classification Scheme 2023. Collection method: clinical testing. Allele origin: germline.
Comment: The p.C364Y variant (also known as c.1091G>A), located in coding exon 6 of the FANCM gene, results from a G to A substitution at nucleotide position 1091. The cysteine at codon 364 is replaced by tyrosine, an amino acid with highly dissimilar properties. This amino acid position is conserved. In addition, the in silico prediction for this alteration is inconclusive. Based on the available evidence, the clinical significance of this variant remains unclear.